The following is an entry in ClinVar:

NM_002381.5(MATN3):c.692A>G (p.Lys231Arg)

Gene: MATN3 (matrilin 3; minus strand). Cytogenetic location: 2p24.1.
Variant type: single nucleotide variant.
Coding change: c.692A>G on transcript NM_002381.5 (MANE Select); coding-DNA position 692, A replaced by G.
Protein change: p.Lys231Arg; replaces lysine 231 with arginine.
Molecular consequence: missense variant.
Genome position (GRCh38, 1-based): chr2:20,005,842, T>C on the plus strand (A>G on the coding strand, the complement: MATN3 is on the minus strand). VCF-style: chr2-20005842-T-C. GRCh37 (hg19) VCF-style: chr2-20205603-T-C.
Other names: short protein forms K231R.
Identifiers: ClinVar variation 4697115 (VCV004697115.1).
Genomic context (GRCh38, chr2:20,005,842, plus strand): 5'-ATGACCCCATAGGTCTCCACGTAGAAAACATGCTCCTCTAGGGGCTCACTGGCCATCATC[T>C]TGAGGGACGCCATGTCTGCCCGGTCCACGCCCACAGCATAGAGCTCAATACCAGATGCTT-3'
Protein context (NP_002372.1, residues 221-241): GVDRADMASL[Lys231Arg]MMASEPLEEH

ClinVar aggregate classification (germline): Uncertain significance (1 of 4 stars; one submission).

gnomAD v4.1: 9 of 1,610,712 alleles (0.00056%); highest among the groups gnomAD compares: Admixed American, 0.015%; no homozygotes.

Submission:

Labcorp Genetics (formerly Invitae), Labcorp
Classification: Uncertain significance. Last evaluated: 2025-09-28. Review status: criteria provided, single submitter. Criteria: Invitae Variant Classification Sherloc (09022015). Collection method: clinical testing. Allele origin: germline.
Comment: This sequence change replaces lysine, which is basic and polar, with arginine, which is basic and polar, at codon 231 of the MATN3 protein (p.Lys231Arg). This variant is present in population databases (rs749791991, gnomAD 0.02%). This variant has not been reported in the literature in individuals affected with MATN3-related conditions. Invitae Evidence Modeling of protein sequence and biophysical properties (such as structural, functional, and spatial information, amino acid conservation, physicochemical variation, residue mobility, and thermodynamic stability) indicates that this missense variant is not expected to disrupt MATN3 protein function with a negative predictive value of 80%. In summary, the available evidence is currently insufficient to determine the role of this variant in disease. Therefore, it has been classified as a Variant of Uncertain Significance.